The following is an entry in ClinVar:

NM_138295.5(PKD1L1):c.2064+3A>G

Gene: PKD1L1 (polycystin 1 like 1, transient receptor potential channel interacting; minus strand). Cytogenetic location: 7p12.3.
Variant type: single nucleotide variant.
Coding change: c.2064+3A>G on transcript NM_138295.5 (MANE Select); 3 bases into the intron after coding-DNA position 2064, A replaced by G.
Molecular consequence: intron variant.
Genome position (GRCh38, 1-based): chr7:47,902,376, T>C on the plus strand (A>G on the coding strand, the complement: PKD1L1 is on the minus strand). VCF-style: chr7-47902376-T-C. GRCh37 (hg19) VCF-style: chr7-47941973-T-C.
Identifiers: ClinVar variation 3031522 (VCV003031522.2), dbSNP rs906612408, ClinGen allele CA158131970.

ClinVar aggregate classification (germline): Likely benign (0 of 4 stars; one submission).

Conditions:
PKD1L1-related disorder. Also called: PKD1L1-related condition.

Allele frequency attached by ClinVar (database versions not stated): gnomAD exomes below 0.00001.
gnomAD v4.1: 2 of 1,613,986 alleles (0.00012%); highest among the groups gnomAD compares: South Asian, 0.0011%; no homozygotes.

Submission:

PreventionGenetics, part of Exact Sciences
Classification: Likely benign for PKD1L1-related condition. Last evaluated: 2021-12-29. Review status: no assertion criteria provided. Collection method: clinical testing. Allele origin: germline.
Comment: This variant is classified as likely benign based on ACMG/AMP sequence variant interpretation guidelines (Richards et al. 2015 PMID: 25741868, with internal and published modifications).